The following is an entry in ClinVar:

ClinVar aggregate classification (germline): Likely pathogenic (1 of 4 stars; one submission).

Conditions:
Neurodevelopmental disorder with epilepsy and hypoplasia of the corpus callosum. Identifiers: MedGen C4748137, MONDO:0060761, OMIM 618090.

Submission:

Greenwood Genetic Center Diagnostic Laboratories, Greenwood Genetic Center
Classification: Likely pathogenic for Neurodevelopmental disorder with epilepsy and hypoplasia of the corpus callosum. Last evaluated: 2025-02-13. Review status: criteria provided, single submitter. Criteria: ACMG Guidelines, 2015. Collection method: clinical testing. Allele origin: germline. Affected: yes.
Comment: PVS1, PM2

NM_030650.3(LNPK):c.590_600del (p.Pro197fs)

Gene: LNPK (lunapark, ER junction formation factor; minus strand). Cytogenetic location: 2q31.1.
Variant type: Deletion.
Coding change: c.590_600del on transcript NM_030650.3 (MANE Select); coding-DNA positions 590 to 600, 11 bases deleted (CACCAAAGGAC).
Protein change: p.Pro197fs; shifts the reading frame from proline 197.
Molecular consequence: frameshift variant. On other transcripts: non-coding transcript variant (1).
Genome position (GRCh38, 1-based): chr2:175,947,586-175,947,596, GTCCTTTGGTG deleted on the plus strand (CACCAAAGGAC on the coding strand, the reverse complement: LNPK is on the minus strand); deleting any 11 consecutive bases within chr2:175,947,586-175,947,600 gives the same sequence; the c. name uses the placement nearest the transcript's 3' end. VCF-style (leftmost placement, unchanged base first): chr2-175947585-TGTCCTTTGGTG-T. GRCh37 (hg19) VCF-style: chr2-176812313-TGTCCTTTGGTG-T.
Other names: c.788_798del, p.Pro263fs (NM_001305008.1); c.590_600del, p.Pro197fs (NM_001305009.1); c.596_606del, p.Pro199fs (NM_001305010.1); c.221_231del, p.Pro74fs (NM_001305011.2); short protein forms P197fs, P199fs, P263fs, P74fs.
Identifiers: ClinVar variation 4851655 (VCV004851655.1).
Genomic context (GRCh38, chr2:175,947,585, plus strand): 5'-ACACATTTGATGATAGGGCTGGAGTAACAGTCCTTTCTGGGGGTCCACCAGGGGCAGAAC[TGTCCTTTGGTG>T]GTCCAGGAGATACTGGAACTTGTGGAGGAGGGCCCTGGTTAGGGCTTGCTGGTGTTGGAG-3'